The following is an entry in ClinVar:

NM_000038.6(APC):c.7409G>C (p.Arg2470Thr)

Gene: APC (APC regulator of Wnt signaling pathway; plus strand). Cytogenetic location: 5q22.2.
Variant type: single nucleotide variant.
Coding change: c.7409G>C on transcript NM_000038.6 (MANE Select); coding-DNA position 7409, G replaced by C.
Protein change: p.Arg2470Thr; replaces arginine 2470 with threonine.
Molecular consequence: missense variant. On other transcripts: non-coding transcript variant (2).
Genome position (GRCh38, 1-based): chr5:112,843,003, G>C. VCF-style: chr5-112843003-G-C. GRCh37 (hg19) VCF-style: chr5-112178700-G-C.
Other names: c.7409G>C, p.Arg2470Thr (NM_001127510.3, NM_001354895.2, NM_001407450.1); c.7355G>C, p.Arg2452Thr (NM_001127511.3); c.7463G>C, p.Arg2488Thr (NM_001354896.2, NM_001407447.1, NM_001407448.1 and 1 more transcripts); c.7439G>C, p.Arg2480Thr (NM_001354897.2); c.7334G>C, p.Arg2445Thr (NM_001354898.2); c.7325G>C, p.Arg2442Thr (NM_001354899.2); c.7286G>C, p.Arg2429Thr (NM_001354900.2); c.7232G>C, p.Arg2411Thr (NM_001354901.2, NM_001407453.1); and 11 more; short protein forms R2429T, R2498T, R2086T, R2379T, R2445T, R2460T, R2463T, R2341T.
Identifiers: ClinVar variation 3635514 (VCV003635514.2).
Genomic context (GRCh38, chr5:112,843,003, plus strand): 5'-CAACCTTAAGAAGAAAATTGGAGGAATCTGCTTCATTTGAATCTCTTTCTCCATCATCTA[G>C]ACCAGCTTCTCCCACTAGGTCCCAGGCACAAACTCCAGTTTTAAGTCCTTCCCTTCCTGA-3'
Protein context (NP_000029.2, residues 2460-2480): ASFESLSPSS[Arg2470Thr]PASPTRSQAQ

ClinVar aggregate classification (germline): Uncertain significance (1 of 4 stars; one submission).

Conditions:
Familial adenomatous polyposis 1 (FAP1). Also called: FAMILIAL ADENOMATOUS POLYPOSIS 1, ATTENUATED; POLYPOSIS, ADENOMATOUS INTESTINAL. Identifiers: MedGen C2713442, MONDO:0021056, OMIM 175100. Disease mechanism: loss of function.

Submission:

Labcorp Genetics (formerly Invitae), Labcorp
Classification: Uncertain significance for Familial adenomatous polyposis 1. Last evaluated: 2024-11-10. Review status: criteria provided, single submitter. Criteria: Invitae Variant Classification Sherloc (09022015). Collection method: clinical testing. Allele origin: germline.
Comment: This sequence change replaces arginine, which is basic and polar, with threonine, which is neutral and polar, at codon 2470 of the APC protein (p.Arg2470Thr). This variant is not present in population databases (gnomAD no frequency). This variant has not been reported in the literature in individuals affected with APC-related conditions. Invitae Evidence Modeling of protein sequence and biophysical properties (such as structural, functional, and spatial information, amino acid conservation, physicochemical variation, residue mobility, and thermodynamic stability) indicates that this missense variant is not expected to disrupt APC protein function with a negative predictive value of 95%. In summary, the available evidence is currently insufficient to determine the role of this variant in disease. Therefore, it has been classified as a Variant of Uncertain Significance.